The following is an entry in ClinVar:

ClinVar aggregate classification (germline): Uncertain significance. Review status: criteria provided, multiple submitters, no conflicts (2 of 4 stars). 2 submissions from 2 submitters: Uncertain significance (2). Last evaluated 2023-11-20.

Conditions:
Wilson disease (WND). Also called: Wilson's disease. Identifiers: Orphanet 905, MedGen C0019202, MONDO:0010200, OMIM 277900. Disease mechanism: loss of function.

Allele frequency attached by ClinVar (database versions not stated): gnomAD exomes below 0.00001; TOPMed below 0.00001.
gnomAD v4.1: 6 of 1,614,208 alleles (0.00037%); highest among the groups gnomAD compares: Non-Finnish European, 0.00051%; no homozygotes.

Submissions (2):

All of Us Research Program, National Institutes of Health
Classification: Uncertain significance for Wilson disease. Last evaluated: 2023-11-20. Review status: criteria provided, single submitter. Criteria: ACMG Guidelines, 2015. Collection method: clinical testing. Allele origin: germline. Inheritance: Autosomal recessive inheritance. Observed: 1 variant allele, 1 heterozygote.
Comment: This missense variant replaces threonine with isoleucine at codon 26 of the ATP7B protein. Computational prediction suggests that this variant may not impact protein structure and function (internally defined REVEL score threshold <= 0.5, PMID: 27666373). To our knowledge, functional studies have not been reported for this variant. This variant has not been reported in individuals affected with ATP7B-related disorders in the literature. This variant has not been identified in the general population by the Genome Aggregation Database (gnomAD). The available evidence is insufficient to determine the role of this variant in disease conclusively. Therefore, this variant is classified as a Variant of Uncertain Significance.

This study involves interpretation of variants in research participants for the purpose of population health screening. Participant phenotype was not available at the time of variant classification. Additional details can be found in publication PMID: 35346344, PMCID: PMC8962531

Color Diagnostics, LLC DBA Color Health
Classification: Uncertain significance for Wilson disease. Last evaluated: 2023-10-25. Review status: criteria provided, single submitter. Criteria: ACMG Guidelines, 2015. Collection method: clinical testing. Allele origin: germline.
Comment: This missense variant replaces threonine with isoleucine at codon 26 of the ATP7B protein. Computational prediction suggests that this variant may not impact protein structure and function. To our knowledge, functional studies have not been reported for this variant. This variant has not been reported in individuals affected with ATP7B-related disorders in the literature. This variant has not been identified in the general population by the Genome Aggregation Database (gnomAD). The available evidence is insufficient to determine the role of this variant in disease conclusively. Therefore, this variant is classified as a Variant of Uncertain Significance.

NM_000053.4(ATP7B):c.77C>T (p.Thr26Ile)

Gene: ATP7B (ATPase copper transporting beta; minus strand). Cytogenetic location: 13q14.3.
Variant type: single nucleotide variant.
Coding change: c.77C>T on transcript NM_000053.4 (MANE Select); coding-DNA position 77, C replaced by T.
Protein change: p.Thr26Ile; replaces threonine 26 with isoleucine.
Molecular consequence: missense variant. On other transcripts: 5 prime UTR variant (7).
Genome position (GRCh38, 1-based): chr13:51,975,143, G>A on the plus strand (C>T on the coding strand, the complement: ATP7B is on the minus strand). VCF-style: chr13-51975143-G-A. GRCh37 (hg19) VCF-style: chr13-52549279-G-A.
Other names: c.77C>T, p.Thr26Ile (NM_001005918.3, NM_001243182.2, NM_001330578.2 and 30 more transcripts); c.-20C>T (NM_001406517.1, NM_001406518.1, NM_001406530.1 and 4 more transcripts); short protein forms T26I.
Identifiers: ClinVar variation 3074612 (VCV003074612.2), dbSNP rs1360917706, ClinGen allele CA388045380.